The following is an entry in ClinVar:

ClinVar aggregate classification (germline): Uncertain significance (1 of 4 stars; one submission).

Submission:

Labcorp Genetics (formerly Invitae), Labcorp
Classification: Uncertain significance. Last evaluated: 2021-07-24. Review status: criteria provided, single submitter. Criteria: Invitae Variant Classification Sherloc (09022015). Collection method: clinical testing. Allele origin: germline.
Comment: In summary, the available evidence is currently insufficient to determine the role of this variant in disease. Therefore, it has been classified as a Variant of Uncertain Significance. Algorithms developed to predict the effect of missense changes on protein structure and function are either unavailable or do not agree on the potential impact of this missense change (SIFT: "Not Available"; PolyPhen-2: "Possibly Damaging"; Align-GVGD: "Not Available"). This variant has not been reported in the literature in individuals affected with HYOU1-related conditions. This variant is not present in population databases (ExAC no frequency). This sequence change replaces alanine with serine at codon 411 of the HYOU1 protein (p.Ala411Ser). The alanine residue is highly conserved and there is a moderate physicochemical difference between alanine and serine.

NM_006389.5(HYOU1):c.1231G>T (p.Ala411Ser)

Genes: HYOU1 (hypoxia up-regulated 1; minus strand), LOC130006884 (ATAC-STARR-seq lymphoblastoid active region 5617; plus strand). Cytogenetic location: 11q23.3.
Variant type: single nucleotide variant.
Coding change: c.1231G>T on transcript NM_006389.5 (MANE Select); coding-DNA position 1231, G replaced by T.
Protein change: p.Ala411Ser; replaces alanine 411 with serine.
Molecular consequence: missense variant.
Genome position (GRCh38, 1-based): chr11:119,051,926, C>A on the plus strand (G>T on the coding strand, the complement: HYOU1 is on the minus strand). VCF-style: chr11-119051926-C-A. GRCh37 (hg19) VCF-style: chr11-118922638-C-A.
Other names: c.1231G>T, p.Ala411Ser (NM_001130991.3); short protein forms A411S.
Identifiers: ClinVar variation 1448225 (VCV001448225.8), dbSNP rs2134695532, ClinGen allele CA382940221.
Genomic context (GRCh38, chr11:119,051,926, plus strand): 5'-TAAAGGCTTTGCTGAGCGCAGCTGCCTGGTACACTGCCCCCATGGCGGCTGCTTCATCTG[C>A]ATTGATGTTCTTCCCCAGCTCCTCCCTGGGAAAGCCCCAAGCCTCAGCACGGTCTACCCT-3'
Protein context (NP_006380.1, residues 401-421): GKEELGKNIN[Ala411Ser]DEAAAMGAVY